The following is an entry in ClinVar:

NM_032608.7(MYO18B):c.6034A>G (p.Thr2012Ala)

Gene: MYO18B (myosin XVIIIB; plus strand). Cytogenetic location: 22q12.1.
Variant type: single nucleotide variant.
Coding change: c.6034A>G on transcript NM_032608.7 (MANE Select); coding-DNA position 6034, A replaced by G.
Protein change: p.Thr2012Ala; replaces threonine 2012 with alanine.
Molecular consequence: missense variant.
Genome position (GRCh38, 1-based): chr22:25,955,242, A>G. VCF-style: chr22-25955242-A-G. GRCh37 (hg19) VCF-style: chr22-26351208-A-G.
Other names: c.6034A>G (NM_032608.5); c.6037A>G, p.Thr2013Ala (NM_001318245.2); short protein forms T2012A, T2013A.
Identifiers: ClinVar variation 1424440 (VCV001424440.9), dbSNP rs772367447, ClinGen allele CA10161376.

ClinVar aggregate classification (germline): Conflicting classifications of pathogenicity. Review status: criteria provided, conflicting classifications (1 of 4 stars). 2 submissions from 2 submitters: Uncertain significance (1); Likely benign (1). Last evaluated 2023-09-14.

Conditions:
Inborn genetic diseases. Identifiers: MedGen C0950123, MeSH D030342.

Allele frequency attached by ClinVar (database versions not stated): gnomAD 0.00001; gnomAD exomes 0.00001 and 0.00008; TOPMed 0.00005; ExAC 0.00006.
gnomAD v4.1: 19 of 1,613,252 alleles (0.0012%); highest among the groups gnomAD compares: East Asian, 0.036%; no homozygotes.

Submissions (2):

Ambry Genetics
Classification: Likely benign for Inborn genetic diseases. Last evaluated: 2023-09-14. Review status: criteria provided, single submitter. Criteria: Ambry Variant Classification Scheme 2023. Collection method: clinical testing. Allele origin: germline.

Labcorp Genetics (formerly Invitae), Labcorp
Classification: Uncertain significance. Last evaluated: 2021-08-07. Review status: criteria provided, single submitter. Criteria: Invitae Variant Classification Sherloc (09022015). Collection method: clinical testing. Allele origin: germline.
Comment: This sequence change replaces threonine with alanine at codon 2012 of the MYO18B protein (p.Thr2012Ala). The threonine residue is weakly conserved and there is a small physicochemical difference between threonine and alanine. This variant is present in population databases (rs772367447, ExAC 0.09%). This variant has not been reported in the literature in individuals affected with MYO18B-related conditions. Algorithms developed to predict the effect of missense changes on protein structure and function output the following: SIFT: "Not Available"; PolyPhen-2: "Benign"; Align-GVGD: "Not Available". The alanine amino acid residue is found in multiple mammalian species, which suggests that this missense change does not adversely affect protein function. In summary, the available evidence is currently insufficient to determine the role of this variant in disease. Therefore, it has been classified as a Variant of Uncertain Significance.